The following is an entry in ClinVar:

ClinVar aggregate classification (germline): Uncertain significance. Review status: criteria provided, multiple submitters, no conflicts (2 of 4 stars). 2 submissions from 2 submitters: Uncertain significance (2). Last evaluated 2022-07-19.

Conditions:
Short-rib thoracic dysplasia 18 with polydactyly. Identifiers: MedGen C4693420, MONDO:0036483, OMIM 617866.
Retinitis pigmentosa 81 (RP81). Identifiers: MedGen C4693443, MONDO:0036482, OMIM 617871.
Cranioectodermal dysplasia 3 (CED3). Identifiers: Orphanet 1515, MedGen C3279807, MONDO:0013573, OMIM 614099.

Allele frequency attached by ClinVar (database versions not stated): ESP Exome Variant Server 0.00015; gnomAD exomes 0.00015 and 0.00019; gnomAD 0.00016 and 0.00017; TOPMed 0.00019; ExAC 0.00032.
gnomAD v4.1: 234 of 1,583,346 alleles (0.015%); highest among the groups gnomAD compares: Non-Finnish European, 0.019%; no homozygotes.

Submissions (2):

Labcorp Genetics (formerly Invitae), Labcorp
Classification: Uncertain significance. Last evaluated: 2022-07-19. Review status: criteria provided, single submitter. Criteria: Invitae Variant Classification Sherloc (09022015). Collection method: clinical testing. Allele origin: germline.
Comment: This sequence change falls in intron 6 of the IFT43 gene. It does not directly change the encoded amino acid sequence of the IFT43 protein. It affects a nucleotide within the consensus splice site. The frequency data for this variant in the population databases is considered unreliable, as metrics indicate poor data quality at this position in the gnomAD database. This variant has not been reported in the literature in individuals affected with IFT43-related conditions. ClinVar contains an entry for this variant (Variation ID: 1491570). Variants that disrupt the consensus splice site are a relatively common cause of aberrant splicing (PMID: 17576681, 9536098). Algorithms developed to predict the effect of sequence changes on RNA splicing suggest that this variant may disrupt the consensus splice site. In summary, the available evidence is currently insufficient to determine the role of this variant in disease. Therefore, it has been classified as a Variant of Uncertain Significance.

Fulgent Genetics
Classification: Uncertain significance for Cranioectodermal dysplasia 3; Short-rib thoracic dysplasia 18 with polydactyly; Retinitis pigmentosa 81. Last evaluated: 2021-11-09. Review status: criteria provided, single submitter. Criteria: ACMG Guidelines, 2015. Collection method: clinical testing. Allele origin: unknown.

Literature cited by the submitters: PubMed 17576681 (cited by Labcorp Genetics (formerly Invitae), Labcorp); PubMed 9536098 (cited by Labcorp Genetics (formerly Invitae), Labcorp).

NM_001102564.3(IFT43):c.444+5G>A

Gene: IFT43 (intraflagellar transport 43; plus strand). Cytogenetic location: 14q24.3.
Variant type: single nucleotide variant.
Coding change: c.444+5G>A on transcript NM_001102564.3 (MANE Select); 5 bases into the intron after coding-DNA position 444, G replaced by A.
Molecular consequence: intron variant.
Genome position (GRCh38, 1-based): chr14:76,082,697, G>A. VCF-style: chr14-76082697-G-A. GRCh37 (hg19) VCF-style: chr14-76549040-G-A.
Other names: c.459+5G>A (NM_052873.3).
Identifiers: ClinVar variation 1491570 (VCV001491570.4), dbSNP rs377078385, ClinGen allele CA7280887.